The following is an entry in ClinVar:

ClinVar aggregate classification (germline): Benign. Review status: criteria provided, multiple submitters, no conflicts (2 of 4 stars). 2 submissions from 2 submitters: Benign (2). Last evaluated 2018-01-12.

Conditions:
Idiopathic basal ganglia calcification 1 (PFBC1A). Also called: Familial Idiopathic Basal Ganglia Calcification 2; Familial Idiopathic Basal Ganglia Calcification 3; Primary Familial Brain Calcification; PRIMARY FAMILIAL BRAIN CALCIFICATION 1A, AUTOSOMAL DOMINANT; Fahr's syndrome; Cerebral calcification nonarteriosclerotic idiopathic adult-onset. Identifiers: Orphanet 1980, MedGen C4551624, MONDO:0024538, OMIM 213600.

Allele frequency attached by ClinVar (database versions not stated): gnomAD exomes 0.00459; gnomAD 0.08497 and 0.09069; TOPMed 0.09489; 1000 Genomes Project 0.09804; 1000 Genomes Project 30x 0.09963.
gnomAD v4.1: 12,816 of 153,296 alleles (8.4%); highest among the groups gnomAD compares: African/African-American, 28%; 1,734 homozygotes.

Submissions (2):

Illumina Laboratory Services, Illumina
Classification: Benign for Idiopathic basal ganglia calcification 1. Last evaluated: 2018-01-12. Review status: criteria provided, single submitter. Criteria: ICSL Variant Classification Criteria 13 December 2019. Collection method: clinical testing. Allele origin: germline.
Comment: This variant was observed in the ICSL laboratory as part of a predisposition screen in an ostensibly healthy population. It had not been previously curated by ICSL or reported in the Human Gene Mutation Database (HGMD: prior to June 1st, 2018), and was therefore a candidate for classification through an automated scoring system. Utilizing variant allele frequency, disease prevalence and penetrance estimates, and inheritance mode, an automated score was calculated to assess if this variant is too frequent to cause the disease. Based on the score and internal cut-off values, a variant classified as benign is not then subjected to further curation. The score for this variant resulted in a classification of benign for this disease.

Breakthrough Genomics
Classification: Benign. Review status: criteria provided, single submitter. Criteria: ACMG Guidelines, 2015. Collection method: not provided. Allele origin: germline. Inheritance: Autosomal dominant inheritance. Affected: yes.

NM_001257180.2(SLC20A2):c.*570G>T

Gene: SLC20A2 (solute carrier family 20 member 2; minus strand). Cytogenetic location: 8p11.21.
Variant type: single nucleotide variant.
Coding change: c.*570G>T on transcript NM_001257180.2 (MANE Select); 570 bases downstream of the stop codon, G replaced by T.
Molecular consequence: 3 prime UTR variant.
Genome position (GRCh38, 1-based): chr8:42,417,233, C>A on the plus strand (G>T on the coding strand, the complement: SLC20A2 is on the minus strand). VCF-style: chr8-42417233-C-A. GRCh37 (hg19) VCF-style: chr8-42274751-C-A.
Other names: c.*570G>T (NM_001257181.2, NM_006749.5).
Identifiers: ClinVar variation 363056 (VCV000363056.6), dbSNP rs1803657, ClinGen allele CA10631098.